The following is an entry in ClinVar:

NM_001366385.1(CARD14):c.2853G>A (p.Glu951=)

Genes: CARD14 (caspase recruitment domain family member 14; plus strand), SGSH (N-sulfoglucosamine sulfohydrolase; minus strand). Cytogenetic location: 17q25.3.
Variant type: single nucleotide variant.
Coding change: c.2853G>A on transcript NM_001366385.1 (MANE Select); coding-DNA position 2853, G replaced by A.
Protein change: p.Glu951=; no amino-acid change (glutamic acid 951 retained).
Molecular consequence: synonymous variant. On other transcripts: non-coding transcript variant (1).
Genome position (GRCh38, 1-based): chr17:80,208,183, G>A. VCF-style: chr17-80208183-G-A. GRCh37 (hg19) VCF-style: chr17-78181982-G-A.
Other names: p.Glu951=; c.2853G>A, p.Glu951= (NM_024110.4).
Identifiers: ClinVar variation 458100 (VCV000458100.22), dbSNP rs78569961, ClinGen allele CA8817495.
Genomic context (GRCh38, chr17:80,208,183, plus strand): 5'-CTCTGGCCTGTGCAGGAAGGGCCTACAGCGGTTGGGCACCTCAGAGGAGCAGCTCCTGGA[G>A]GCTGCGAGGCAGGAGGAGGGAGACCTGGACCGGGCGCCCTGTCTATACAGCAGCCTGGCT-3'
Protein context (NP_001353314.1, residues 941-961): RLGTSEEQLL[Glu951=]AARQEEGDLD

ClinVar aggregate classification (germline): Benign/Likely benign. Review status: criteria provided, multiple submitters, no conflicts (2 of 4 stars). 8 submissions from 8 submitters: Benign (6); Likely benign (1). 1 of the submissions does not count toward it. Last evaluated 2026-02-01.

Conditions:
Autoinflammatory syndrome. Identifiers: Orphanet 93665, MedGen C3890737, MONDO:0019751.
CARD14-related disorder. Also called: CARD14-related condition.
Psoriasis 2. Identifiers: MedGen C1864497, MONDO:0011269, OMIM 602723.
Pityriasis rubra pilaris (PRP). Also called: Pityriasis rubra pilaris--familial type. Identifiers: Orphanet 2897, MedGen C0032027, MONDO:0100017, OMIM 173200, MONDO:0008251.

Allele frequency attached by ClinVar (database versions not stated): gnomAD exomes 0.00137 and 0.00354; ExAC 0.00918; 1000 Genomes Project 0.01458; gnomAD 0.01475 and 0.01590; ESP Exome Variant Server 0.01539; 1000 Genomes Project 30x 0.01608; TOPMed 0.01661.
gnomAD v4.1: 4,261 of 1,550,800 alleles (0.27%); highest among the groups gnomAD compares: African/African-American, 5%; 88 homozygotes.

Submissions (8):

Labcorp Genetics (formerly Invitae), Labcorp
Classification: Benign for Pityriasis rubra pilaris; Psoriasis 2. Last evaluated: 2026-02-01. Review status: criteria provided, single submitter. Criteria: Invitae Variant Classification Sherloc (09022015). Collection method: clinical testing. Allele origin: germline.

Women's Health and Genetics/Laboratory Corporation of America, LabCorp
Classification: Benign. Last evaluated: 2026-01-22. Review status: criteria provided, single submitter. Criteria: LabCorp Variant Classification Summary - May 2015. Collection method: clinical testing. Allele origin: germline.

Blueprint Genetics
Classification: Likely benign. Last evaluated: 2024-11-26. Review status: criteria provided, single submitter. Criteria: ACMG Guidelines, 2015. Collection method: clinical testing. Allele origin: germline.

Mayo Clinic Laboratories, Mayo Clinic
Classification: Benign. Last evaluated: 2022-03-04. Review status: criteria provided, single submitter. Criteria: ACMG Guidelines, 2015. Collection method: clinical testing. Allele origin: germline. Observed: 4 variant alleles.

Genome Diagnostics Laboratory, The Hospital for Sick Children
Classification: Benign for Autoinflammatory syndrome. Last evaluated: 2022-02-25. Review status: criteria provided, single submitter. Criteria: ACMG Guidelines, 2015. Collection method: clinical testing. Allele origin: germline. Affected: yes.

GeneDx
Classification: Benign. Last evaluated: 2018-07-09. Review status: criteria provided, single submitter. Criteria: GeneDx Variant Classification Process June 2021. Collection method: clinical testing. Allele origin: germline. Affected: yes.

Breakthrough Genomics
Classification: Benign. Review status: criteria provided, single submitter. Criteria: ACMG Guidelines, 2015. Collection method: not provided. Allele origin: germline. Inheritance: Autosomal dominant inheritance. Affected: yes.

PreventionGenetics, part of Exact Sciences
Classification: Benign for CARD14-related condition. Last evaluated: 2019-05-22. Review status: no assertion criteria provided. Collection method: clinical testing. Allele origin: germline. Not counted in ClinVar's aggregate classification.
Comment: This variant is classified as benign based on ACMG/AMP sequence variant interpretation guidelines (Richards et al. 2015 PMID: 25741868, with internal and published modifications).